The following is an entry in ClinVar:

NM_022042.4(SLC26A1):c.955G>A (p.Val319Met)

Genes: IDUA (alpha-L-iduronidase; plus strand), SLC26A1 (solute carrier family 26 member 1; minus strand). Cytogenetic location: 4p16.3.
Variant type: single nucleotide variant.
Coding change: c.955G>A on transcript NM_022042.4 (MANE Select); coding-DNA position 955, G replaced by A.
Protein change: p.Val319Met; replaces valine 319 with methionine.
Molecular consequence: missense variant. On other transcripts: intron variant (2).
Genome position (GRCh38, 1-based): chr4:989,984, C>T on the plus strand (G>A on the coding strand, the complement: SLC26A1 is on the minus strand). VCF-style: chr4-989984-C-T. GRCh37 (hg19) VCF-style: chr4-983772-C-T.
Other names: c.955G>A, p.Val319Met (NM_213613.4); c.576+1144G>A (NM_134425.4); c.299+2035C>T (NM_000203.5); c.955G>A (NM_213613.2); short protein forms V319M.
Identifiers: ClinVar variation 931784 (VCV000931784.7), dbSNP rs558586992, ClinGen allele CA2801494.

ClinVar aggregate classification (germline): Conflicting classifications of pathogenicity. Review status: criteria provided, conflicting classifications (1 of 4 stars). 4 submissions from 4 submitters: Uncertain significance (3); Benign (1). Last evaluated 2025-01-23.

Conditions:
Inborn genetic diseases. Identifiers: MedGen C0950123, MeSH D030342.
Nephrolithiasis susceptibility caused by SLC26A1 (CAON1). Also called: NEPHROLITHIASIS, CALCIUM OXALATE, 1. Identifiers: MedGen C5779632, MONDO:0020722, OMIM 167030.
Hypersulfaturia (HYSULF). Identifiers: MedGen C5830511, MONDO:0957268, OMIM 620372.
Mucopolysaccharidosis, MPS-I-H/S. Also called: Mucopolysaccharidosis type IH/S. Identifiers: Orphanet 93476, MedGen C0086431, MONDO:0011759, OMIM 607015.

Allele frequency attached by ClinVar (database versions not stated): gnomAD 0.00005 and 0.00006; gnomAD exomes 0.00006 and 0.00018; TOPMed 0.00006; 1000 Genomes Project 30x 0.00016; 1000 Genomes Project 0.00020; ExAC 0.00037.
gnomAD v4.1: 88 of 1,559,906 alleles (0.0056%); highest among the groups gnomAD compares: South Asian, 0.051%; 1 homozygote.

Submissions (4):

Labcorp Genetics (formerly Invitae), Labcorp
Classification: Uncertain significance. Last evaluated: 2025-01-23. Review status: criteria provided, single submitter. Criteria: Invitae Variant Classification Sherloc (09022015). Collection method: clinical testing. Allele origin: germline.
Comment: This sequence change replaces valine, which is neutral and non-polar, with methionine, which is neutral and non-polar, at codon 319 of the SLC26A1 protein (p.Val319Met). This variant is present in population databases (rs558586992, gnomAD 0.1%), and has an allele count higher than expected for a pathogenic variant. This variant has not been reported in the literature in individuals affected with SLC26A1-related conditions. ClinVar contains an entry for this variant (Variation ID: 931784). Invitae Evidence Modeling of protein sequence and biophysical properties (such as structural, functional, and spatial information, amino acid conservation, physicochemical variation, residue mobility, and thermodynamic stability) has been performed for this missense variant. However, the output from this modeling did not meet the statistical confidence thresholds required to predict the impact of this variant on SLC26A1 protein function. In summary, the available evidence is currently insufficient to determine the role of this variant in disease. Therefore, it has been classified as a Variant of Uncertain Significance.

Ambry Genetics
Classification: Uncertain significance for Inborn genetic diseases. Last evaluated: 2024-12-31. Review status: criteria provided, single submitter. Criteria: Ambry Variant Classification Scheme 2023. Collection method: clinical testing. Allele origin: germline.

Fulgent Genetics
Classification: Uncertain significance for Nephrolithiasis susceptibility caused by SLC26A1; Hypersulfaturia. Last evaluated: 2024-01-25. Review status: criteria provided, single submitter. Criteria: ACMG Guidelines, 2015. Collection method: clinical testing. Allele origin: germline.

Centre for Mendelian Genomics, University Medical Centre Ljubljana
Classification: Benign for Mucopolysaccharidosis, MPS-I-H/S. Last evaluated: 2018-09-27. Review status: criteria provided, single submitter. Criteria: ACMG Guidelines, 2015. Collection method: clinical testing. Allele origin: unknown. Affected: yes.
Comment: This variant was classified as: Benign. The following ACMG criteria were applied in classifying this variant: BS1,BS2.